The following is an entry in ClinVar:

NM_000051.4(ATM):c.3994-2A>G

Gene: ATM (ATM serine/threonine kinase; plus strand). Cytogenetic location: 11q22.3.
Variant type: single nucleotide variant.
Coding change: c.3994-2A>G on transcript NM_000051.4 (MANE Select); the canonical splice acceptor site of the intron before coding-DNA position 3994, A replaced by G.
Molecular consequence: splice acceptor variant.
Genome position (GRCh38, 1-based): chr11:108,287,598, A>G. VCF-style: chr11-108287598-A-G. GRCh37 (hg19) VCF-style: chr11-108158325-A-G.
Other names: c.3994-2A>G (NM_001351834.2).
Identifiers: ClinVar variation 142167 (VCV000142167.49), dbSNP rs587782276, ClinGen allele CA167657.
Genomic context (GRCh38, chr11:108,287,598, plus strand): 5'-GAGCTGTCTTGACGTTCACAGATATAAAATATTAAATATATTTTAATTTTGTGCCCTTGC[A>G]GATTGATCACTTATTCATTAGTAATTTACCAGAGATTGTGGTGGAGTTATTGATGACGTT-3'

ClinVar aggregate classification (germline): Pathogenic/Likely pathogenic. Review status: criteria provided, multiple submitters, no conflicts (2 of 4 stars). 9 submissions from 9 submitters: Pathogenic (3); Likely pathogenic (5). 1 of the submissions does not count toward it. Last evaluated 2025-10-09.

Conditions:
Hereditary cancer-predisposing syndrome. Also called: Neoplastic Syndromes, Hereditary; Hereditary Cancer Syndrome; Hereditary neoplastic syndrome; Tumor predisposition. Identifiers: Orphanet 140162, MedGen C0027672, MeSH D009386, MONDO:0015356.
Ataxia-telangiectasia syndrome (AT). Also called: Cerebello-oculocutaneous telangiectasia; Immunodeficiency with ataxia telangiectasia; Ataxia-telangiectasia, complementation group D; AT, COMPLEMENTATION GROUP C; ATAXIA-TELANGIECTASIA, FRESNO VARIANT; ATAXIA-TELANGIECTASIA, COMPLEMENTATION GROUP A. Identifiers: Orphanet 100, MedGen C0004135, MONDO:0008840, OMIM 208900.
Familial cancer of breast. Also called: Hereditary breast cancer; hereditary breast carcinoma; BREAST CANCER, FAMILIAL. Identifiers: Orphanet 227535, MedGen C0346153, MONDO:0016419, OMIM 114480. Disease mechanism: loss of function.

Allele frequency attached by ClinVar (database versions not stated): gnomAD exomes 0.00002; ExAC 0.00003.
gnomAD v4.1: 7 of 1,590,390 alleles (0.00044%); highest among the groups gnomAD compares: Non-Finnish European, 0.00052%; no homozygotes.

Submissions (9):

Labcorp Genetics (formerly Invitae), Labcorp
Classification: Pathogenic for Ataxia-telangiectasia syndrome. Last evaluated: 2025-10-09. Review status: criteria provided, single submitter. Criteria: Invitae Variant Classification Sherloc (09022015). Collection method: clinical testing. Allele origin: germline.
Comment: This sequence change affects an acceptor splice site in intron 26 of the ATM gene. RNA analysis indicates that disruption of this splice site induces altered splicing and may result in an absent or altered protein product. This variant is present in population databases (rs587782276, gnomAD 0.004%). Disruption of this splice site has been observed in individual(s) with a personal or family history of breast cancer and/or pancreatic cancer (PMID: 24763289, 28956312, 29922827). ClinVar contains an entry for this variant (Variation ID: 142167). Studies have shown that disruption of this splice site results in skipping of exon 27 or activation of a cryptic splice site, and produces a non-functional protein and/or introduces a premature termination codon (internal data). For these reasons, this variant has been classified as Pathogenic.

Center for Genomic Medicine, Rigshospitalet, Copenhagen University Hospital
Classification: Likely pathogenic. Last evaluated: 2025-03-04. Review status: criteria provided, single submitter. Criteria: ACMG Guidelines, 2015. Collection method: clinical testing. Allele origin: germline.

Ambry Genetics
Classification: Likely pathogenic for Hereditary cancer-predisposing syndrome. Last evaluated: 2025-01-14. Review status: criteria provided, single submitter. Criteria: Ambry Variant Classification Scheme 2023. Collection method: clinical testing. Allele origin: germline.
Comment: The c.3994-2A>G intronic variant results from an A to G substitution two nucleotides upstream from coding exon 26 in the ATM gene. This nucleotide position is highly conserved in available vertebrate species. In silico splice site analysis predicts that this alteration will weaken the native splice acceptor site and may result in the creation or strengthening of a novel splice acceptor site; however, direct evidence is insufficient at this time (Ambry internal data). Alterations that disrupt the canonical splice site are expected to cause aberrant splicing, resulting in an abnormal protein or a transcript that is subject to nonsense-mediated mRNA decay. As such, this alteration is classified as likely pathogenic.

Clinical Genetics Laboratory, Skane University Hospital Lund
Classification: Pathogenic. Last evaluated: 2024-03-13. Review status: criteria provided, single submitter. Criteria: ACMG Guidelines, 2015. Collection method: clinical testing. Allele origin: germline. Affected: yes.

Myriad Genetics, Inc.
Classification: Likely pathogenic for Familial cancer of breast. Last evaluated: 2024-01-23. Review status: criteria provided, single submitter. Criteria: Myriad Autosomal Dominant, Autosomal Recessive and X-Linked Classification Criteria (2023). Collection method: clinical testing. Allele origin: unknown.
Comment: This variant is considered likely pathogenic. This variant occurs within a consensus splice junction and is predicted to result in abnormal mRNA splicing of either an out-of-frame exon or an in-frame exon necessary for protein stability and/or normal function.

Baylor Genetics
Classification: Pathogenic for Familial cancer of breast. Last evaluated: 2023-10-28. Review status: criteria provided, single submitter. Criteria: ACMG Guidelines, 2015. Collection method: clinical testing. Allele origin: unknown.

GeneDx
Classification: Likely pathogenic. Last evaluated: 2023-03-03. Review status: criteria provided, single submitter. Criteria: GeneDx Variant Classification Process June 2021. Collection method: clinical testing. Allele origin: germline. Affected: yes.
Comment: Canonical splice site variant predicted to result in a null allele in a gene for which loss of function is a known mechanism of disease; Published functional studies suggest this variant results in a deletion of exon 27 caused by the introduction of a premature termination codon (Bueno-Martinez et al., 2022); Not observed at a significant frequency in large population cohorts (gnomAD); This variant is associated with the following publications: (PMID: 24763289, 28152038, 28956312, 25614872, 23807571, 35022142, 28888541, 35716007, 29922827)

Color Diagnostics, LLC DBA Color Health
Classification: Likely pathogenic for Hereditary cancer-predisposing syndrome. Last evaluated: 2022-03-04. Review status: criteria provided, single submitter. Criteria: ACMG Guidelines, 2015. Collection method: clinical testing. Allele origin: germline.
Comment: This variant causes an A to G nucleotide substitution at the -2 position of intron 26 of the ATM gene. Splice site prediction tools suggest that this variant may have a significant impact on RNA splicing. Although this prediction has not been confirmed in published RNA studies, this variant is expected to result in an absent or disrupted protein product. This variant has been reported in an individual affected with breast cancer (PMID: 28956312). This variant has also been identified in 4/248114 chromosomes in the general population by the Genome Aggregation Database (gnomAD). Loss of ATM function is a known mechanism of disease. Based on the available evidence, this variant is classified as Likely Pathogenic.

BRCAlab, Lund University
Classification: Pathogenic for Familial cancer of breast. Last evaluated: 2022-08-26. Review status: no assertion criteria provided. Collection method: clinical testing. Allele origin: germline. Affected: yes. Not counted in ClinVar's aggregate classification.

Literature cited by the submitters: PubMed 24763289 (cited by Labcorp Genetics (formerly Invitae), Labcorp); PubMed 28956312 (cited by 3 submitters); PubMed 29922827 (cited by Labcorp Genetics (formerly Invitae), Labcorp and Center for Genomic Medicine, Rigshospitalet, Copenhagen University Hospital); PubMed 28888541 (cited by Center for Genomic Medicine, Rigshospitalet, Copenhagen University Hospital); PubMed 35716007 (cited by Center for Genomic Medicine, Rigshospitalet, Copenhagen University Hospital).